The following is an entry in ClinVar:

NM_007294.4(BRCA1):c.5401G>T (p.Gly1801Cys)

Gene: BRCA1 (BRCA1 DNA repair associated; minus strand). Cytogenetic location: 17q21.31.
Variant type: single nucleotide variant.
Coding change: c.5401G>T on transcript NM_007294.4 (MANE Select); coding-DNA position 5401, G replaced by T.
Protein change: p.Gly1801Cys; replaces glycine 1801 with cysteine.
Molecular consequence: missense variant. On other transcripts: non-coding transcript variant (1), intron variant (1).
Genome position (GRCh38, 1-based): chr17:43,049,126, C>A on the plus strand (G>T on the coding strand, the complement: BRCA1 is on the minus strand). VCF-style: chr17-43049126-C-A. GRCh37 (hg19) VCF-style: chr17-41201143-C-A.
Other names: c.5257G>T, p.Gly1753Cys (NM_001407746.1, NM_001407747.1, NM_001407748.1 and 18 more transcripts); c.5254G>T, p.Gly1752Cys (NM_001407845.1, NM_001407846.1, NM_001407847.1 and 12 more transcripts); c.5191G>T, p.Gly1731Cys (NM_001407887.1, NM_001407889.1, NM_001407879.1 and 5 more transcripts); c.5188G>T, p.Gly1730Cys (NM_001407894.1, NM_001407895.1, NM_001407896.1 and 12 more transcripts); c.5185G>T, p.Gly1729Cys (NM_001407918.1, NM_001407915.1, NM_001407916.1 and 1 more transcripts); c.5137G>T, p.Gly1713Cys (NM_001407920.1, NM_001407921.1, NM_001407922.1 and 4 more transcripts); c.5134G>T, p.Gly1712Cys (NM_001407927.1, NM_001407928.1, NM_001407929.1 and 4 more transcripts); c.5068G>T, p.Gly1690Cys (NM_001407947.1, NM_001407948.1, NM_001407949.1 and 1 more transcripts); and 73 more; short protein forms G1801C, G1822C, G1754C, G697C, G1673C, G1690C, G1711C, G1732C.
Identifiers: ClinVar variation 865702 (VCV000865702.3), dbSNP rs587776492, ClinGen allele CA10590674.

Conditions:
Breast-ovarian cancer, familial, susceptibility to, 1 (BROVCA1). Also called: BRCA1 Hereditary Breast and Ovarian Cancer; OVARIAN CANCER, SUSCEPTIBILITY TO. Identifiers: Orphanet 145, MedGen C2676676, MONDO:0011450, OMIM 604370. Disease mechanism: loss of function.

Submission:

Brotman Baty Institute, University of Washington
No classification provided (evidence only). Condition: Breast-ovarian cancer, familial 1. Review status: no classification provided. Collection method: in vitro. Allele origin: not applicable. Functional consequence: functionally_normal.
ClinVar note: "not provided" was previously submitted as the classification for the variant. However, the classification appeared to be based only on an observation of functional data so it was converted to no classification on 2025-07-30.